The following is an entry in ClinVar:

NM_006904.7(PRKDC):c.10660T>C (p.Phe3554Leu)

Gene: PRKDC (protein kinase, DNA-activated, catalytic subunit; minus strand). Cytogenetic location: 8q11.21.
Variant type: single nucleotide variant.
Coding change: c.10660T>C on transcript NM_006904.7 (MANE Select); coding-DNA position 10660, T replaced by C.
Protein change: p.Phe3554Leu; replaces phenylalanine 3554 with leucine.
Molecular consequence: missense variant.
Genome position (GRCh38, 1-based): chr8:47,794,300, A>G on the plus strand (T>C on the coding strand, the complement: PRKDC is on the minus strand). VCF-style: chr8-47794300-A-G. GRCh37 (hg19) VCF-style: chr8-48706861-A-G.
Other names: c.10660T>C, p.Phe3554Leu (NM_001081640.2); short protein forms F3554L.
Identifiers: ClinVar variation 2449844 (VCV002449844.2), dbSNP rs2551861978, ClinGen allele CA371133506.

ClinVar aggregate classification (germline): Uncertain significance (1 of 4 stars; one submission).

Submission:

Ambry Genetics
Classification: Uncertain significance. Last evaluated: 2022-12-19. Review status: criteria provided, single submitter. Criteria: Ambry Variant Classification Scheme 2023. Collection method: clinical testing. Allele origin: germline.
Comment: The p.F3554L variant (also known as c.10660T>C), located in coding exon 74 of the PRKDC gene, results from a T to C substitution at nucleotide position 10660. The phenylalanine at codon 3554 is replaced by leucine, an amino acid with highly similar properties. This amino acid position is conserved. In addition, this alteration is predicted to be deleterious by in silico analysis. Since supporting evidence is limited at this time, the clinical significance of this alteration remains unclear.